The following is an entry in ClinVar:

ClinVar aggregate classification (germline): Uncertain significance (1 of 4 stars; one submission).

Conditions:
Microcephaly-intellectual disability-sensorineural hearing loss-epilepsy-abnormal muscle tone syndrome (NEDHSB). Also called: NEURODEVELOPMENTAL DISORDER WITH HEARING LOSS, SEIZURES, AND BRAIN ABNORMALITIES. Identifiers: Orphanet 457351, MedGen C4225276, MONDO:0014698, OMIM 616577.

Allele frequency attached by ClinVar (database versions not stated): gnomAD 0.00001; gnomAD exomes 0.00001; TOPMed 0.00001; ExAC 0.00002.
gnomAD v4.1: 19 of 1,614,092 alleles (0.0012%); highest among the groups gnomAD compares: Non-Finnish European, 0.0016%; no homozygotes.

Submission:

Labcorp Genetics (formerly Invitae), Labcorp
Classification: Uncertain significance for Microcephaly-intellectual disability-sensorineural hearing loss-epilepsy-abnormal muscle tone syndrome. Last evaluated: 2022-10-03. Review status: criteria provided, single submitter. Criteria: Invitae Variant Classification Sherloc (09022015). Collection method: clinical testing. Allele origin: germline.
Comment: This sequence change replaces methionine, which is neutral and non-polar, with valine, which is neutral and non-polar, at codon 217 of the SPATA5 protein (p.Met217Val). This variant is present in population databases (rs533234061, gnomAD 0.002%). This variant has not been reported in the literature in individuals affected with SPATA5-related conditions. ClinVar contains an entry for this variant (Variation ID: 642922). Advanced modeling of protein sequence and biophysical properties (such as structural, functional, and spatial information, amino acid conservation, physicochemical variation, residue mobility, and thermodynamic stability) performed at Invitae indicates that this missense variant is not expected to disrupt SPATA5 protein function. In summary, the available evidence is currently insufficient to determine the role of this variant in disease. Therefore, it has been classified as a Variant of Uncertain Significance.

NM_145207.3(AFG2A):c.649A>G (p.Met217Val)

Gene: AFG2A (AFG2 AAA ATPase homolog A; plus strand). Cytogenetic location: 4q28.1.
Variant type: single nucleotide variant.
Coding change: c.649A>G on transcript NM_145207.3 (MANE Select); coding-DNA position 649, A replaced by G.
Protein change: p.Met217Val; replaces methionine 217 with valine.
Molecular consequence: missense variant.
Genome position (GRCh38, 1-based): chr4:122,934,240, A>G. VCF-style: chr4-122934240-A-G. GRCh37 (hg19) VCF-style: chr4-123855395-A-G.
Other names: c.646A>G, p.Met216Val (NM_001317799.2, NM_001345856.2); short protein forms M216V, M217V.
Identifiers: ClinVar variation 642922 (VCV000642922.3), dbSNP rs533234061, ClinGen allele CA3070292.
Genomic context (GRCh38, chr4:122,934,240, plus strand): 5'-GGGGCAGATGGCATGATATTGGGAGGGCCTCAGAGTGACTCTGACACTGATGCCCAAAGA[A>G]TGGCCTTTGAACAGTCCAGCATGGAAACCAGTAGCCTGGAGTTATCCTTACAGCTAAGCC-3'
Protein context (NP_660208.2, residues 207-227): QSDSDTDAQR[Met217Val]AFEQSSMETS